The following is an entry in ClinVar:

ClinVar aggregate classification (germline): Uncertain significance. Review status: criteria provided, multiple submitters, no conflicts (2 of 4 stars). 3 submissions from 3 submitters: Uncertain significance (3). Last evaluated 2025-03-27.

Conditions:
Hereditary cancer-predisposing syndrome. Also called: Tumor predisposition; Hereditary neoplastic syndrome; Neoplastic Syndromes, Hereditary; Hereditary Cancer Syndrome. Identifiers: Orphanet 140162, MedGen C0027672, MeSH D009386, MONDO:0015356.
Ataxia-telangiectasia syndrome (AT). Also called: Ataxia-telangiectasia, complementation group D; AT, COMPLEMENTATION GROUP C; ATAXIA-TELANGIECTASIA, COMPLEMENTATION GROUP A; ATAXIA-TELANGIECTASIA, FRESNO VARIANT; Ataxia-telangiectasia; LOUIS-BAR SYNDROME. Identifiers: Orphanet 100, MedGen C0004135, MONDO:0008840, OMIM 208900.
Colorectal polyposis. Also called: Colorectal polyp; Polyp of large intestine. Identifiers: MedGen C0949059, MONDO:0021392, HP:0200063.

Submissions (3):

Ambry Genetics
Classification: Uncertain significance for Hereditary cancer-predisposing syndrome. Last evaluated: 2025-03-27. Review status: criteria provided, single submitter. Criteria: Ambry Variant Classification Scheme 2023. Collection method: clinical testing. Allele origin: germline.
Comment: The p.G3051E variant (also known as c.9152G>A), located in coding exon 62 of the ATM gene, results from a G to A substitution at nucleotide position 9152. The glycine at codon 3051 is replaced by glutamic acid, an amino acid with similar properties. This amino acid position is conserved. In addition, this alteration is predicted to be deleterious by in silico analysis. Based on the available evidence, the clinical significance of this variant remains unclear.

Labcorp Genetics (formerly Invitae), Labcorp
Classification: Uncertain significance for Ataxia-telangiectasia syndrome. Last evaluated: 2023-04-12. Review status: criteria provided, single submitter. Criteria: Invitae Variant Classification Sherloc (09022015). Collection method: clinical testing. Allele origin: germline.
Comment: In summary, the available evidence is currently insufficient to determine the role of this variant in disease. Therefore, it has been classified as a Variant of Uncertain Significance. An algorithm developed to predict the effect of missense changes on protein structure and function (PolyPhen-2) suggests that this variant is likely to be disruptive. ClinVar contains an entry for this variant (Variation ID: 655283). This variant has not been reported in the literature in individuals affected with ATM-related conditions. This variant is not present in population databases (gnomAD no frequency). This sequence change replaces glycine, which is neutral and non-polar, with glutamic acid, which is acidic and polar, at codon 3051 of the ATM protein (p.Gly3051Glu).

Institute of Human Genetics, University of Leipzig Medical Center
Classification: Uncertain significance for Colorectal polyposis. Last evaluated: 2019-01-01. Review status: criteria provided, single submitter. Criteria: ACMG Guidelines, 2015. Collection method: clinical testing. Allele origin: unknown. Affected: yes.

NM_000051.4(ATM):c.9152G>A (p.Gly3051Glu)

Genes: C11orf65 (chromosome 11 open reading frame 65; minus strand), ATM (ATM serine/threonine kinase; plus strand). Cytogenetic location: 11q22.3.
Variant type: single nucleotide variant.
Coding change: c.9152G>A on transcript NM_000051.4 (MANE Select); coding-DNA position 9152, G replaced by A.
Protein change: p.Gly3051Glu; replaces glycine 3051 with glutamic acid.
Molecular consequence: missense variant. On other transcripts: intron variant (2).
Genome position (GRCh38, 1-based): chr11:108,365,489, G>A. VCF-style: chr11-108365489-G-A. GRCh37 (hg19) VCF-style: chr11-108236216-G-A.
Other names: c.9152G>A, p.Gly3051Glu (NM_001351834.2); c.640+20431C>T (NM_001330368.2); c.694+20431C>T (NM_001351110.2); short protein forms G3051E.
Identifiers: ClinVar variation 655283 (VCV000655283.11), dbSNP rs1555152073, ClinGen allele CA382532149.